The following is an entry in ClinVar:

ClinVar aggregate classification (germline): Uncertain significance (1 of 4 stars; one submission).

Conditions:
Arrhythmogenic right ventricular dysplasia 9 (ARVD9). Also called: Arrhythmogenic Right Ventricular Dysplasia/Cardiomyopathy 9; ARRHYTHMOGENIC RIGHT VENTRICULAR DYSPLASIA, FAMILIAL, 9. Identifiers: MedGen C1836906, MONDO:0012180, OMIM 609040.

Submission:

Labcorp Genetics (formerly Invitae), Labcorp
Classification: Uncertain significance for Arrhythmogenic right ventricular dysplasia 9. Last evaluated: 2022-10-13. Review status: criteria provided, single submitter. Criteria: Invitae Variant Classification Sherloc (09022015). Collection method: clinical testing. Allele origin: germline.
Comment: In summary, the available evidence is currently insufficient to determine the role of this variant in disease. Therefore, it has been classified as a Variant of Uncertain Significance. Algorithms developed to predict the effect of missense changes on protein structure and function output the following: SIFT: "Tolerated"; PolyPhen-2: "Possibly Damaging"; Align-GVGD: "Class C0". The arginine amino acid residue is found in multiple mammalian species, which suggests that this missense change does not adversely affect protein function. This sequence change replaces glycine, which is neutral and non-polar, with arginine, which is basic and polar, at codon 247 of the PKP2 protein (p.Gly247Arg). This variant is not present in population databases (gnomAD no frequency). This variant has not been reported in the literature in individuals affected with PKP2-related conditions. ClinVar contains an entry for this variant (Variation ID: 582655).

NM_001005242.3(PKP2):c.739G>C (p.Gly247Arg)

Gene: PKP2 (plakophilin 2; minus strand). Cytogenetic location: 12p11.21.
Variant type: single nucleotide variant.
Coding change: c.739G>C on transcript NM_001005242.3 (MANE Select); coding-DNA position 739, G replaced by C.
Protein change: p.Gly247Arg; replaces glycine 247 with arginine.
Molecular consequence: missense variant.
Genome position (GRCh38, 1-based): chr12:32,878,141, C>G on the plus strand (G>C on the coding strand, the complement: PKP2 is on the minus strand). VCF-style: chr12-32878141-C-G. GRCh37 (hg19) VCF-style: chr12-33031075-C-G.
Other names: c.739G>C, p.Gly247Arg (NM_004572.4); short protein forms G247R.
Identifiers: ClinVar variation 582655 (VCV000582655.8), dbSNP rs1035589373, ClinGen allele CA384362859.
Genomic context (GRCh38, chr12:32,878,141, plus strand): 5'-TGAGCCCTGCCGTCAGGTAGTTCTCCTTCTCCAAGAGGTTGCCCATGCTGCGGCTGGTCC[C>G]TGGCCTGGGGTACGTGAGCAGGGCCGGGTTGGCAGGGATGCTGTCAAAAACGGTGTCGCT-3'
Protein context (NP_001005242.2, residues 237-257): NPALLTYPRP[Gly247Arg]TSRSMGNLLE